The following is an entry in ClinVar:

NM_017849.4(TMEM127):c.359A>G (p.His120Arg)

Gene: TMEM127 (transmembrane protein 127; minus strand). Cytogenetic location: 2q11.2.
Variant type: single nucleotide variant.
Coding change: c.359A>G on transcript NM_017849.4 (MANE Select); coding-DNA position 359, A replaced by G.
Protein change: p.His120Arg; replaces histidine 120 with arginine.
Molecular consequence: missense variant.
Genome position (GRCh38, 1-based): chr2:96,254,883, T>C on the plus strand (A>G on the coding strand, the complement: TMEM127 is on the minus strand). VCF-style: chr2-96254883-T-C. GRCh37 (hg19) VCF-style: chr2-96920621-T-C.
Other names: c.359A>G, p.His120Arg (NM_001193304.3); short protein forms H120R.
Identifiers: ClinVar variation 960997 (VCV000960997.10), dbSNP rs745385741, ClinGen allele CA1777345.

ClinVar aggregate classification (germline): Uncertain significance. Review status: criteria provided, multiple submitters, no conflicts (2 of 4 stars). 2 submissions from 2 submitters: Uncertain significance (2). Last evaluated 2025-02-21.

Conditions:
Hereditary pheochromocytoma and paraganglioma. Also called: Hereditary pheochromocytoma-paraganglioma; Hereditary Paraganglioma-Pheochromocytoma Syndromes; Hereditary paragangliomas and pheochromocytomas. Identifiers: Orphanet 29072, MedGen C4274332, MONDO:0017366.
Hereditary cancer-predisposing syndrome. Also called: Hereditary neoplastic syndrome; Hereditary Cancer Syndrome; Tumor predisposition; Neoplastic Syndromes, Hereditary. Identifiers: Orphanet 140162, MedGen C0027672, MeSH D009386, MONDO:0015356.

Allele frequency attached by ClinVar (database versions not stated): gnomAD exomes below 0.00001; ExAC 0.00001.
gnomAD v4.1: 3 of 1,614,104 alleles (0.00019%); highest among the groups gnomAD compares: Non-Finnish European, 0.00025%; no homozygotes.

Submissions (2):

Ambry Genetics
Classification: Uncertain significance for Hereditary cancer-predisposing syndrome. Last evaluated: 2025-02-21. Review status: criteria provided, single submitter. Criteria: Ambry Variant Classification Scheme 2023. Collection method: clinical testing. Allele origin: germline.
Comment: The p.H120R variant (also known as c.359A>G), located in coding exon 2 of the TMEM127 gene, results from an A to G substitution at nucleotide position 359. The histidine at codon 120 is replaced by arginine, an amino acid with highly similar properties. This amino acid position is highly conserved in available vertebrate species. In addition, this alteration is predicted to be deleterious by in silico analysis. Since supporting evidence is limited at this time, the clinical significance of this alteration remains unclear.

Labcorp Genetics (formerly Invitae), Labcorp
Classification: Uncertain significance for Hereditary pheochromocytoma and paraganglioma. Last evaluated: 2024-09-30. Review status: criteria provided, single submitter. Criteria: Invitae Variant Classification Sherloc (09022015). Collection method: clinical testing. Allele origin: germline.
Comment: This sequence change replaces histidine, which is basic and polar, with arginine, which is basic and polar, at codon 120 of the TMEM127 protein (p.His120Arg). This variant is present in population databases (rs745385741, gnomAD 0.0009%). This variant has not been reported in the literature in individuals affected with TMEM127-related conditions. ClinVar contains an entry for this variant (Variation ID: 960997). An algorithm developed to predict the effect of missense changes on protein structure and function (PolyPhen-2) suggests that this variant is likely to be disruptive. In summary, the available evidence is currently insufficient to determine the role of this variant in disease. Therefore, it has been classified as a Variant of Uncertain Significance.